The following is an entry in ClinVar:

NM_001371623.1(TCOF1):c.1955C>T (p.Ala652Val)

Gene: TCOF1 (treacle ribosome biogenesis factor 1; plus strand). Cytogenetic location: 5q32.
Variant type: single nucleotide variant.
Coding change: c.1955C>T on transcript NM_001371623.1 (MANE Select); coding-DNA position 1955, C replaced by T.
Protein change: p.Ala652Val; replaces alanine 652 with valine.
Molecular consequence: missense variant.
Genome position (GRCh38, 1-based): chr5:150,376,143, C>T. VCF-style: chr5-150376143-C-T. GRCh37 (hg19) VCF-style: chr5-149755706-C-T.
Other names: c.1724C>T, p.Ala575Val (NM_000356.4, NM_001135245.2); c.1955C>T, p.Ala652Val (NM_001008657.3, NM_001135243.2, NM_001135244.2 and 1 more transcripts); short protein forms A575V, A652V.
Identifiers: ClinVar variation 2824816 (VCV002824816.3), dbSNP rs2533508750, ClinGen allele CA361751758.

ClinVar aggregate classification (germline): Uncertain significance (1 of 4 stars; one submission).

Conditions:
Treacher Collins syndrome 1 (TCS1). Also called: TCOF1-Related Treacher Collins Syndrome. Identifiers: Orphanet 861, MedGen CN315775, MONDO:0007944, OMIM 154500.

Submission:

Labcorp Genetics (formerly Invitae), Labcorp
Classification: Uncertain significance for Treacher Collins syndrome 1. Last evaluated: 2023-04-24. Review status: criteria provided, single submitter. Criteria: Invitae Variant Classification Sherloc (09022015). Collection method: clinical testing. Allele origin: germline.
Comment: In summary, the available evidence is currently insufficient to determine the role of this variant in disease. Therefore, it has been classified as a Variant of Uncertain Significance. Advanced modeling of protein sequence and biophysical properties (such as structural, functional, and spatial information, amino acid conservation, physicochemical variation, residue mobility, and thermodynamic stability) performed at Invitae indicates that this missense variant is not expected to disrupt TCOF1 protein function. This variant has not been reported in the literature in individuals affected with TCOF1-related conditions. This variant is not present in population databases (gnomAD no frequency). This sequence change replaces alanine, which is neutral and non-polar, with valine, which is neutral and non-polar, at codon 652 of the TCOF1 protein (p.Ala652Val).